The following is an entry in ClinVar:

NM_152424.4(AMER1):c.1802G>A (p.Arg601Gln)

Gene: AMER1 (APC membrane recruitment protein 1; minus strand). Cytogenetic location: Xq11.2.
Variant type: single nucleotide variant.
Coding change: c.1802G>A on transcript NM_152424.4 (MANE Select); coding-DNA position 1802, G replaced by A.
Protein change: p.Arg601Gln; replaces arginine 601 with glutamine.
Molecular consequence: missense variant.
Genome position (GRCh38, 1-based): chrX:64,191,485, C>T on the plus strand (G>A on the coding strand, the complement: AMER1 is on the minus strand). VCF-style: chrX-64191485-C-T. GRCh37 (hg19) VCF-style: chrX-63411365-C-T.
Other names: c.1802G>A (NM_152424.3); short protein forms R601Q.
Identifiers: ClinVar variation 1206234 (VCV001206234.38), dbSNP rs149865410, ClinGen allele CA10432283.

ClinVar aggregate classification (germline): Benign/Likely benign. Review status: criteria provided, multiple submitters, no conflicts (2 of 4 stars). 8 submissions from 8 submitters: Benign (1); Likely benign (3). 4 of the submissions do not count toward it. Last evaluated 2025-11-21.

Conditions:
AMER1-related disorder. Also called: AMER1-related condition.
Inborn genetic diseases. Identifiers: MedGen C0950123, MeSH D030342.

Allele frequency attached by ClinVar (database versions not stated): ExAC 0.00007; gnomAD exomes 0.00013; TOPMed 0.00013; gnomAD 0.00014 and 0.00015; ESP Exome Variant Server 0.00019; 1000 Genomes Project 30x 0.00021; 1000 Genomes Project 0.00026.
gnomAD v4.1: 255 of 1,210,624 alleles (0.021%); highest among the groups gnomAD compares: Non-Finnish European, 0.027%; no homozygotes.

Submissions (8):

Labcorp Genetics (formerly Invitae), Labcorp
Classification: Benign. Last evaluated: 2025-11-21. Review status: criteria provided, single submitter. Criteria: Invitae Variant Classification Sherloc (09022015). Collection method: clinical testing. Allele origin: germline.

Blueprint Genetics
Classification: Likely benign. Last evaluated: 2024-10-11. Review status: criteria provided, single submitter. Criteria: ACMG Guidelines, 2015. Collection method: clinical testing. Allele origin: germline.

CeGaT Center for Human Genetics Tuebingen
Classification: Likely benign. Last evaluated: 2023-02-01. Review status: criteria provided, single submitter. Criteria: CeGaT Center For Human Genetics Tuebingen Variant Classification Criteria Version 2. Collection method: clinical testing. Allele origin: germline. Affected: yes. Observed: 1 variant allele.
Comment: AMER1: BP4, BS2

Ambry Genetics
Classification: Likely benign for Inborn genetic diseases. Last evaluated: 2022-11-08. Review status: criteria provided, single submitter. Criteria: Ambry Variant Classification Scheme 2023. Collection method: clinical testing. Allele origin: germline.

PreventionGenetics, part of Exact Sciences
Classification: Likely benign for AMER1-related condition. Last evaluated: 2022-05-02. Review status: no assertion criteria provided. Collection method: clinical testing. Allele origin: germline. Not counted in ClinVar's aggregate classification.
Comment: This variant is classified as likely benign based on ACMG/AMP sequence variant interpretation guidelines (Richards et al. 2015 PMID: 25741868, with internal and published modifications).

Clinical Genetics DNA and cytogenetics Diagnostics Lab, Erasmus MC, Erasmus Medical Center
Classification: Likely benign. Review status: no assertion criteria provided. Collection method: clinical testing. Allele origin: germline. Affected: yes. Study: VKGL Data-share Consensus. Not counted in ClinVar's aggregate classification.

Genome Diagnostics Laboratory, University Medical Center Utrecht
Classification: Likely benign. Review status: no assertion criteria provided. Collection method: clinical testing. Allele origin: germline. Affected: yes. Study: VKGL Data-share Consensus. Not counted in ClinVar's aggregate classification.

Laboratory of Diagnostic Genome Analysis, Leiden University Medical Center (LUMC)
Classification: Likely benign. Review status: no assertion criteria provided. Collection method: clinical testing. Allele origin: germline. Affected: yes. Study: VKGL Data-share Consensus. Not counted in ClinVar's aggregate classification.